The following is an entry in ClinVar:

NM_005859.5(PURA):c.296G>C (p.Arg99Pro)

Gene: PURA (purine rich element binding protein A; plus strand). Cytogenetic location: 5q31.3.
Variant type: single nucleotide variant.
Coding change: c.296G>C on transcript NM_005859.5 (MANE Select); coding-DNA position 296, G replaced by C.
Protein change: p.Arg99Pro; replaces arginine 99 with proline.
Molecular consequence: missense variant.
Genome position (GRCh38, 1-based): chr5:140,114,477, G>C. VCF-style: chr5-140114477-G-C. GRCh37 (hg19) VCF-style: chr5-139494062-G-C.
Other names: short protein forms R99P.
Identifiers: ClinVar variation 2630996 (VCV002630996.1), dbSNP rs2479504762, ClinGen allele CA361490454.

ClinVar aggregate classification (germline): Likely pathogenic (1 of 4 stars; one submission).

Conditions:
PURA-related disorder. Also called: PURA-related condition.

Submission:

PreventionGenetics, part of Exact Sciences
Classification: Likely pathogenic for PURA-related condition. Last evaluated: 2023-09-20. Review status: criteria provided, single submitter. Criteria: ACMG Guidelines, 2015. Collection method: clinical testing. Allele origin: germline.
Comment: The PURA c.296G>C variant is predicted to result in the amino acid substitution p.Arg99Pro. To our knowledge, this variant has not been reported in the literature or in a large population database, indicating this variant is rare. This variant is classified as likely pathogenic.